The following is an entry in ClinVar:

NM_001109878.2(TBX22):c.539C>T (p.Pro180Leu)

Gene: TBX22 (T-box transcription factor 22). Cytogenetic location: Xq21.1.
Variant type: single nucleotide variant.
Coding change: c.539C>T on transcript NM_001109878.2 (MANE Select); coding-DNA position 539, C replaced by T.
Protein change: p.Pro180Leu; replaces proline 180 with leucine.
Molecular consequence: missense variant.
Genome position (GRCh38, 1-based): chrX:80,025,683, C>T. VCF-style: chrX-80025683-C-T. GRCh37 (hg19) VCF-style: chrX-79281182-C-T.
Other names: c.179C>T, p.Pro60Leu (NM_001109879.2, NM_001303475.1); c.539C>T, p.Pro180Leu (NM_016954.2); c.539C>T (NM_001109878.1); short protein forms P180L, P60L.
Identifiers: ClinVar variation 3065117 (VCV003065117.2), dbSNP rs779543847, ClinGen allele CA10461253.

ClinVar aggregate classification (germline): Conflicting classifications of pathogenicity. Review status: criteria provided, conflicting classifications (1 of 4 stars). 2 submissions from 2 submitters: Likely pathogenic (1); Uncertain significance (1). Last evaluated 2025-04-23.

Conditions:
Cleft palate with or without ankyloglossia, X-linked. Identifiers: Orphanet 324601, MedGen C1844830, MONDO:0010560, OMIM 303400.

Allele frequency attached by ClinVar (database versions not stated): ExAC 0.00001; TOPMed 0.00001.

Submissions (2):

GeneDx
Classification: Uncertain significance. Last evaluated: 2025-04-23. Review status: criteria provided, single submitter. Criteria: GeneDx Variant Classification Process June 2021. Collection method: clinical testing. Allele origin: germline. Affected: yes.
Comment: Not observed at significant frequency in large population cohorts (gnomAD); In silico analysis supports that this missense variant has a deleterious effect on protein structure/function; Has not been previously published as pathogenic or benign to our knowledge

Genomic Medicine Center of Excellence, King Faisal Specialist Hospital and Research Centre
Classification: Likely pathogenic for Cleft palate with or without ankyloglossia, X-linked. Last evaluated: 2024-03-26. Review status: criteria provided, single submitter. Criteria: ACMG Guidelines, 2015. Collection method: clinical testing. Allele origin: germline.